The following is an entry in ClinVar:

NM_003647.3(DGKE):c.666C>T (p.Ile222=)

Gene: DGKE (diacylglycerol kinase epsilon; plus strand). Cytogenetic location: 17q22.
Variant type: single nucleotide variant.
Coding change: c.666C>T on transcript NM_003647.3 (MANE Select); coding-DNA position 666, C replaced by T.
Protein change: p.Ile222=; no amino-acid change (isoleucine 222 retained).
Molecular consequence: synonymous variant.
Genome position (GRCh38, 1-based): chr17:56,845,731, C>T. VCF-style: chr17-56845731-C-T. GRCh37 (hg19) VCF-style: chr17-54923092-C-T.
Other names: p.Ile222=.
Identifiers: ClinVar variation 2074128 (VCV002074128.5), dbSNP rs760863437, ClinGen allele CA8663571.

ClinVar aggregate classification (germline): Likely benign. Review status: criteria provided, multiple submitters, no conflicts (2 of 4 stars). 2 submissions from 2 submitters: Likely benign (2). Last evaluated 2025-03-12.

Allele frequency attached by ClinVar (database versions not stated): ExAC 0.00001; gnomAD 0.00001; gnomAD exomes 0.00002.
gnomAD v4.1: 31 of 1,612,286 alleles (0.0019%); highest among the groups gnomAD compares: Non-Finnish European, 0.0025%; no homozygotes.

Submissions (2):

Labcorp Genetics (formerly Invitae), Labcorp
Classification: Likely benign. Last evaluated: 2025-03-12. Review status: criteria provided, single submitter. Criteria: Invitae Variant Classification Sherloc (09022015). Collection method: clinical testing. Allele origin: germline.

Mayo Clinic Laboratories, Mayo Clinic
Classification: Likely benign. Last evaluated: 2024-12-23. Review status: criteria provided, single submitter. Criteria: ACMG Guidelines, 2015. Collection method: clinical testing. Allele origin: germline. Observed: 1 variant allele.
Comment: BP4, BP7